The following is an entry in ClinVar:

ClinVar aggregate classification (germline): Benign. Review status: criteria provided, multiple submitters, no conflicts (2 of 4 stars). 6 submissions from 6 submitters: Benign (4). 2 of the submissions do not count toward it. Last evaluated 2026-02-04.

Conditions:
Left ventricular noncompaction 8 (LVNC8). Identifiers: Orphanet 154, Orphanet 54260, MedGen C3809288, MONDO:0014152, OMIM 615373.

Allele frequency attached by ClinVar (database versions not stated): 1000 Genomes Project 0.02137; 1000 Genomes Project 30x 0.02155; TOPMed 0.04148; gnomAD 0.04744 and 0.04854; gnomAD exomes 0.05151 and 0.06354; ExAC 0.05247.
gnomAD v4.1: 98,741 of 1,603,138 alleles (6.2%); highest among the groups gnomAD compares: Non-Finnish European, 7.1%; 3,379 homozygotes.

Submissions (6):

Labcorp Genetics (formerly Invitae), Labcorp
Classification: Benign for Left ventricular noncompaction 8. Last evaluated: 2026-02-04. Review status: criteria provided, single submitter. Criteria: Invitae Variant Classification Sherloc (09022015). Collection method: clinical testing. Allele origin: germline.

Women's Health and Genetics/Laboratory Corporation of America, LabCorp
Classification: Benign. Last evaluated: 2023-04-04. Review status: criteria provided, single submitter. Criteria: LabCorp Variant Classification Summary - May 2015. Collection method: clinical testing. Allele origin: germline.

GeneDx
Classification: Benign. Last evaluated: 2016-10-04. Review status: criteria provided, single submitter. Criteria: GeneDx Variant Classification (06012015). Collection method: clinical testing. Allele origin: germline. Affected: yes.
Comment: This variant is considered likely benign or benign based on one or more of the following criteria: it is a conservative change, it occurs at a poorly conserved position in the protein, it is predicted to be benign by multiple in silico algorithms, and/or has population frequency not consistent with disease.

Breakthrough Genomics
Classification: Benign. Review status: criteria provided, single submitter. Criteria: ACMG Guidelines, 2015. Collection method: not provided. Allele origin: germline. Inheritance: Autosomal dominant inheritance. Affected: yes.

Clinical Genetics DNA and cytogenetics Diagnostics Lab, Erasmus MC, Erasmus Medical Center
Classification: Benign. Review status: no assertion criteria provided. Collection method: clinical testing. Allele origin: germline. Affected: yes. Study: VKGL Data-share Consensus. Not counted in ClinVar's aggregate classification.

Clinical Genetics, Academic Medical Center
Classification: Benign. Review status: no assertion criteria provided. Collection method: clinical testing. Allele origin: germline. Affected: yes. Study: VKGL Data-share Consensus. Not counted in ClinVar's aggregate classification.

NM_022114.4(PRDM16):c.677-16G>A

Gene: PRDM16 (PR/SET domain 16; plus strand). Cytogenetic location: 1p36.32.
Variant type: single nucleotide variant.
Coding change: c.677-16G>A on transcript NM_022114.4 (MANE Select); 16 bases into the intron before coding-DNA position 677, G replaced by A.
Molecular consequence: intron variant.
Genome position (GRCh38, 1-based): chr1:3,402,775, G>A. VCF-style: chr1-3402775-G-A. GRCh37 (hg19) VCF-style: chr1-3319339-G-A.
Other names: c.677-16G>A (NM_199454.3).
Identifiers: ClinVar variation 381208 (VCV000381208.13), dbSNP rs192554855, ClinGen allele CA543925.